The following is an entry in ClinVar:

ClinVar aggregate classification (germline): Likely pathogenic (1 of 4 stars; one submission).

Conditions:
LAMA2-related muscular dystrophy (LAMA2-RD). Also called: Laminin alpha 2-related dystrophy. Identifiers: MedGen C5679788, MONDO:0100228.

Submission:

Myriad Genetics, Inc.
Classification: Likely pathogenic for LAMA2-related muscular dystrophy. Last evaluated: 2021-12-17. Review status: criteria provided, single submitter. Criteria: Myriad Autosomal Dominant, Autosomal Recessive and X-Linked Classification Criteria (2023). Collection method: clinical testing. Allele origin: unknown.
Comment: NM_000426.3(LAMA2):c.1365delG(C456Vfs*19) is expected to be pathogenic in the context of muscular dystrophy, LAMA2-related. This variant is predicted to lead to an abnormal or absent protein product due to the creation of a premature termination codon in LAMA2, a gene where loss-of-function variants are known to be pathogenic. Please note: this variant was assessed in the context of healthy population screening.

NM_000426.4(LAMA2):c.1365del (p.Cys456fs)

Gene: LAMA2 (laminin subunit alpha 2; plus strand). Cytogenetic location: 6q22.33.
Variant type: Deletion.
Coding change: c.1365del on transcript NM_000426.4 (MANE Select); coding-DNA position 1365, one base deleted (G; older notation c.1365delG).
Protein change: p.Cys456fs; shifts the reading frame from cysteine 456.
Molecular consequence: frameshift variant.
Genome position (GRCh38, 1-based): chr6:129,177,764, G deleted; the last of 2 consecutive G bases (chr6:129,177,763-129,177,764); deleting either gives the same sequence. VCF-style (leftmost placement, unchanged base first): chr6-129177762-CG-C. GRCh37 (hg19) VCF-style: chr6-129498907-CG-C.
Other names: c.1365del, p.Cys456fs (NM_001079823.2); short protein forms C456fs.
Identifiers: ClinVar variation 1726484 (VCV001726484.3), dbSNP rs2482725233, ClinGen allele CA2580074926.